The following is an entry in ClinVar:

ClinVar aggregate classification (germline): Pathogenic (1 of 4 stars; one submission).

Conditions:
Autoimmune lymphoproliferative syndrome type 1. Also called: AUTOIMMUNE LYMPHOPROLIFERATIVE SYNDROME, TYPE I, AUTOSOMAL DOMINANT. Identifiers: Orphanet 3261, MedGen C2717884, MONDO:0011158, OMIM 601859.

Submission:

Labcorp Genetics (formerly Invitae), Labcorp
Classification: Pathogenic for Autoimmune lymphoproliferative syndrome. Last evaluated: 2024-03-18. Review status: criteria provided, single submitter. Criteria: Invitae Variant Classification Sherloc (09022015). Collection method: clinical testing. Allele origin: germline.
Comment: This sequence change creates a premature translational stop signal (p.Thr42Ilefs*72) in the FAS gene. It is expected to result in an absent or disrupted protein product. Loss-of-function variants in FAS are known to be pathogenic (PMID: 10875918, 22237435). This variant is not present in population databases (gnomAD no frequency). This variant has not been reported in the literature in individuals affected with FAS-related conditions. For these reasons, this variant has been classified as Pathogenic.

Literature cited by the submitters: PubMed 10875918; PubMed 22237435.

NM_000043.6(FAS):c.125del (p.Thr42fs)

Gene: FAS (Fas cell surface death receptor; plus strand). Cytogenetic location: 10q23.31.
Variant type: Deletion.
Coding change: c.125del on transcript NM_000043.6 (MANE Select); coding-DNA position 125, one base deleted (C; older notation c.125delC).
Protein change: p.Thr42fs; shifts the reading frame from threonine 42.
Molecular consequence: frameshift variant. On other transcripts: non-coding transcript variant (7).
Genome position (GRCh38, 1-based): chr10:89,003,123, C deleted. VCF-style (leftmost placement, unchanged base first): chr10-89003122-AC-A. GRCh37 (hg19) VCF-style: chr10-90762879-AC-A.
Other names: c.125del, p.Thr42fs (NM_001320619.2, NM_152871.4, NM_152872.4); c.170del, p.Thr57fs (NM_001410956.1); short protein forms T42fs, T57fs.
Identifiers: ClinVar variation 3641297 (VCV003641297.2).